The following is an entry in ClinVar:

ClinVar aggregate classification (germline): Uncertain significance (1 of 4 stars; one submission).

Submission:

GeneDx
Classification: Uncertain significance. Last evaluated: 2025-01-14. Review status: criteria provided, single submitter. Criteria: GeneDx Variant Classification Process June 2021. Collection method: clinical testing. Allele origin: germline. Affected: yes.
Comment: Not observed at significant frequency in large population cohorts (gnomAD); In silico analysis indicates that this missense variant does not alter protein structure/function; Has not been previously published as pathogenic or benign to our knowledge

NM_005251.3(FOXC2):c.1336A>G (p.Thr446Ala)

Gene: FOXC2 (forkhead box C2; plus strand). Cytogenetic location: 16q24.1.
Variant type: single nucleotide variant.
Coding change: c.1336A>G on transcript NM_005251.3 (MANE Select); coding-DNA position 1336, A replaced by G.
Protein change: p.Thr446Ala; replaces threonine 446 with alanine.
Molecular consequence: missense variant.
Genome position (GRCh38, 1-based): chr16:86,568,671, A>G. VCF-style: chr16-86568671-A-G. GRCh37 (hg19) VCF-style: chr16-86602277-A-G.
Other names: short protein forms T446A.
Identifiers: ClinVar variation 4057189 (VCV004057189.1).
Genomic context (GRCh38, chr16:86,568,671, plus strand): 5'-CTCAACCACAGCGGGGACCTGAACCACCTCCCCGGCCACACGTTCGCGGCCCAGCAGCAA[A>G]CTTTCCCCAACGTGCGGGAGATGTTCAACTCCCACCGGCTGGGGATTGAGAACTCGACCC-3'
Protein context (NP_005242.1, residues 436-456): PGHTFAAQQQ[Thr446Ala]FPNVREMFNS